The following is an entry in ClinVar:

NM_001042492.3(NF1):c.480-2_480delinsTGT

Gene: NF1 (neurofibromin 1; plus strand). Cytogenetic location: 17q11.2.
Variant type: Indel.
Coding change: c.480-2_480delinsTGT on transcript NM_001042492.3 (MANE Select); the canonical splice acceptor site of the intron before coding-DNA position 480 through coding-DNA position 480, AGG replaced by TGT.
Molecular consequence: splice acceptor variant.
Genome position (GRCh38, 1-based): chr17:31,169,889-31,169,891, AGG replaced by TGT. VCF-style: chr17-31169889-AGG-TGT. GRCh37 (hg19) VCF-style: chr17-29496907-AGG-TGT.
Other names: c.480-2_480delinsTGT (NM_000267.4, NM_001128147.3).
Identifiers: ClinVar variation 4119111 (VCV004119111.1).

ClinVar aggregate classification (germline): Likely pathogenic (1 of 4 stars; one submission).

Conditions:
Cardiovascular phenotype. Identifiers: MedGen CN230736.
Hereditary cancer-predisposing syndrome. Also called: Hereditary neoplastic syndrome; Neoplastic Syndromes, Hereditary; Tumor predisposition; Hereditary Cancer Syndrome. Identifiers: Orphanet 140162, MedGen C0027672, MeSH D009386, MONDO:0015356.

Submission:

Ambry Genetics
Classification: Likely pathogenic for Cardiovascular phenotype; Hereditary cancer-predisposing syndrome. Last evaluated: 2025-07-23. Review status: criteria provided, single submitter. Criteria: Ambry Variant Classification Scheme 2023. Collection method: clinical testing. Allele origin: germline.
Comment: The c.480-2_480delAGGinsTGT variant results from a deletion of 3 nucleotides (AGG) and insertion of 3 nucleotides (TGT) at positions c.480-2 to c.480 and involves the canonical splice acceptor site before coding exon 5 of the NF1 gene. The canonical splice acceptor site is well conserved in available vertebrate species. In silico splice site analysis predicts that this alteration will weaken the native splice acceptor site and will result in the creation or strengthening of a novel splice acceptor site; however, the exact impact of this alteration on NF1 splicing and function is currently unknown. This variant is considered to be rare based on population cohorts in the Genome Aggregation Database (gnomAD). Alterations that disrupt the canonical splice site are expected to cause aberrant splicing, resulting in an abnormal protein or a transcript that is subject to nonsense-mediated mRNA decay. As such, this alteration is classified as likely pathogenic.